The following is an entry in ClinVar:

ClinVar aggregate classification (germline): Uncertain significance (1 of 4 stars; one submission).

Conditions:
Hereditary cancer-predisposing syndrome. Also called: Neoplastic Syndromes, Hereditary; Tumor predisposition; Hereditary Cancer Syndrome; Hereditary neoplastic syndrome. Identifiers: Orphanet 140162, MedGen C0027672, MeSH D009386, MONDO:0015356.

Submission:

Ambry Genetics
Classification: Uncertain significance for Hereditary cancer-predisposing syndrome. Last evaluated: 2026-04-24. Review status: criteria provided, single submitter. Criteria: Ambry Variant Classification Scheme 2023. Collection method: clinical testing. Allele origin: germline.
Comment: The c.412_414delGCAinsTCT variant (also known as p.A138S), located in coding exon 3 of the SUFU gene, results from an in-frame deletion of GCA and insertion of TCT at nucleotide positions 412 to 414. This results in the substitution of the alanine residue for a serine residue at codon 138, an amino acid with similar properties. This amino acid position is highly conserved in available vertebrate species. In addition, the in silico prediction for this variant is inconclusive. Based on the available evidence, the clinical significance of this variant remains unclear.

NM_016169.4(SUFU):c.412_414delinsTCT (p.Ala138Ser)

Gene: SUFU (SUFU negative regulator of hedgehog signaling; plus strand). Cytogenetic location: 10q24.32.
Variant type: Indel.
Coding change: c.412_414delinsTCT on transcript NM_016169.4 (MANE Select); coding-DNA positions 412 to 414, GCA replaced by TCT.
Protein change: p.Ala138Ser; replaces alanine 138 with serine.
Molecular consequence: missense variant.
Genome position (GRCh38, 1-based): chr10:102,550,064-102,550,066, GCA replaced by TCT. VCF-style: chr10-102550064-GCA-TCT. GRCh37 (hg19) VCF-style: chr10-104309821-GCA-TCT.
Other names: c.412_414delinsTCT, p.Ala138Ser (NM_001178133.2); short protein forms A138S.
Identifiers: ClinVar variation 4865245 (VCV004865245.1).